The following is an entry in ClinVar:

NM_000435.3(NOTCH3):c.308G>A (p.Arg103Gln)

Gene: NOTCH3 (notch receptor 3; minus strand). Cytogenetic location: 19p13.12.
Variant type: single nucleotide variant.
Coding change: c.308G>A on transcript NM_000435.3 (MANE Select); coding-DNA position 308, G replaced by A.
Protein change: p.Arg103Gln; replaces arginine 103 with glutamine.
Molecular consequence: missense variant.
Genome position (GRCh38, 1-based): chr19:15,192,409, C>T on the plus strand (G>A on the coding strand, the complement: NOTCH3 is on the minus strand). VCF-style: chr19-15192409-C-T. GRCh37 (hg19) VCF-style: chr19-15303220-C-T.
Other names: short protein forms R103Q.
Identifiers: ClinVar variation 2434406 (VCV002434406.4), dbSNP rs932099250, ClinGen allele CA305778377.
Genomic context (GRCh38, chr19:15,192,409, plus strand): 5'-CCTCCCCTCCAGACTCTTCCCCTCTCACCTCGGAAGCCACGGGGGCACCGGCATGAGAAT[C>T]GGGCGGTGCCAGCCACCACTGAACTCTGGCAGACACCACGGCCAGCACAGGGGCCTGAGT-3'
Protein context (NP_000426.2, residues 93-113): CQSSVVAGTA[Arg103Gln]FSCRCPRGFR

ClinVar aggregate classification (germline): Uncertain significance. Review status: criteria provided, multiple submitters, no conflicts (2 of 4 stars). 2 submissions from 2 submitters: Uncertain significance (2). Last evaluated 2025-09-29.

Allele frequency attached by ClinVar (database versions not stated): gnomAD 0.00001; gnomAD exomes 0.00001; TOPMed 0.00002.
gnomAD v4.1: 11 of 1,612,382 alleles (0.00068%); highest among the groups gnomAD compares: Admixed American, 0.0017%; no homozygotes.

Submissions (2):

Labcorp Genetics (formerly Invitae), Labcorp
Classification: Uncertain significance. Last evaluated: 2025-09-29. Review status: criteria provided, single submitter. Criteria: Invitae Variant Classification Sherloc (09022015). Collection method: clinical testing. Allele origin: germline.
Comment: This sequence change replaces arginine, which is basic and polar, with glutamine, which is neutral and polar, at codon 103 of the NOTCH3 protein (p.Arg103Gln). This variant is not present in population databases (gnomAD no frequency). This variant has not been reported in the literature in individuals affected with NOTCH3-related conditions. ClinVar contains an entry for this variant (Variation ID: 2434406). Invitae Evidence Modeling of protein sequence and biophysical properties (such as structural, functional, and spatial information, amino acid conservation, physicochemical variation, residue mobility, and thermodynamic stability) indicates that this missense variant is not expected to disrupt NOTCH3 protein function with a negative predictive value of 95%. In summary, the available evidence is currently insufficient to determine the role of this variant in disease. Therefore, it has been classified as a Variant of Uncertain Significance.

Revvity Omics, Revvity
Classification: Uncertain significance. Last evaluated: 2021-09-29. Review status: criteria provided, single submitter. Criteria: ACMG Guidelines, 2015. Collection method: clinical testing. Allele origin: germline.